The following is an entry in ClinVar:

NM_002633.3(PGM1):c.1081T>A (p.Phe361Ile)

Gene: PGM1 (phosphoglucomutase 1; plus strand). Cytogenetic location: 1p31.3.
Variant type: single nucleotide variant.
Coding change: c.1081T>A on transcript NM_002633.3 (MANE Select); coding-DNA position 1081, T replaced by A.
Protein change: p.Phe361Ile; replaces phenylalanine 361 with isoleucine.
Molecular consequence: missense variant.
Genome position (GRCh38, 1-based): chr1:63,638,737, T>A. VCF-style: chr1-63638737-T-A. GRCh37 (hg19) VCF-style: chr1-64104408-T-A.
Other names: c.1135T>A, p.Phe379Ile (NM_001172818.1); c.490T>A, p.Phe164Ile (NM_001172819.2); short protein forms F164I, F361I, F379I.
Identifiers: ClinVar variation 1930377 (VCV001930377.5), dbSNP rs1405574547, ClinGen allele CA340637118.

ClinVar aggregate classification (germline): Uncertain significance (1 of 4 stars; one submission).

Conditions:
PGM1-congenital disorder of glycosylation. Also called: PHOSPHOGLUCOMUTASE 1 DEFICIENCY; PGM1 DEFICIENCY; Congenital disorder of glycosylation type 1t; GLYCOGEN STORAGE DISEASE XIV; GSD XIV; CDG It. Identifiers: Orphanet 319646, MedGen C2752015, MONDO:0013968, OMIM 614921.

Allele frequency attached by ClinVar (database versions not stated): gnomAD exomes below 0.00001.
gnomAD v4.1: 1 of 1,614,016 alleles (0.000062%); highest among the groups gnomAD compares: Non-Finnish European, 0.000085%; no homozygotes.

Submission:

Labcorp Genetics (formerly Invitae), Labcorp
Classification: Uncertain significance for PGM1-congenital disorder of glycosylation. Last evaluated: 2022-05-20. Review status: criteria provided, single submitter. Criteria: Invitae Variant Classification Sherloc (09022015). Collection method: clinical testing. Allele origin: germline.
Comment: This variant has not been reported in the literature in individuals affected with PGM1-related conditions. This sequence change replaces phenylalanine, which is neutral and non-polar, with isoleucine, which is neutral and non-polar, at codon 361 of the PGM1 protein (p.Phe361Ile). This variant is present in population databases (no rsID available, gnomAD 0.0009%). Algorithms developed to predict the effect of missense changes on protein structure and function are either unavailable or do not agree on the potential impact of this missense change (SIFT: "Deleterious"; PolyPhen-2: "Probably Damaging"; Align-GVGD: "Class C0"). Algorithms developed to predict the effect of sequence changes on RNA splicing suggest that this variant may create or strengthen a splice site. In summary, the available evidence is currently insufficient to determine the role of this variant in disease. Therefore, it has been classified as a Variant of Uncertain Significance.